The following is an entry in ClinVar:

ClinVar aggregate classification (germline): Conflicting classifications of pathogenicity. Review status: criteria provided, conflicting classifications (1 of 4 stars). 2 submissions from 2 submitters: Uncertain significance (1); Likely benign (1). Last evaluated 2026-08-06.

Conditions:
Leigh syndrome (NULS). Also called: Leigh Syndrome (mtDNA deletion); Leigh Disease; Leigh's syndrome; LEIGH SYNDROME, NUCLEAR; Leigh's necrotizing encephalopathy; Leigh's disease. Identifiers: Orphanet 506, MedGen C2931891, MONDO:0009723, OMIM 256000.

Submissions (2):

OLLIN Analises Genomicas, OLLIN
Classification: Uncertain significance. Last evaluated: 2026-08-06. Review status: criteria provided, single submitter. Criteria: ACMG Guidelines 2015 PMID 25741868. Collection method: clinical testing. Allele origin: germline.
Comment: This missense variant, located in exon 1 (of 1), has been reported in ClinVar (accession VCV000692818.1) and in gnomAD with an allele frequency of 0.044%. However, to our knowledge, it has not been reported in the scientific literature. In silico analysis is inconclusive regarding the impact of this variant. According to the currently available evidence, this variant has been classified as uncertain significance (BS2).

Wong Mito Lab, Molecular and Human Genetics, Baylor College of Medicine
Classification: Likely benign for Leigh syndrome. Last evaluated: 2019-10-17. Review status: criteria provided, single submitter. Criteria: Modified ACMG Guidelines (Unpublished). Collection method: clinical testing. Allele origin: germline.
Comment: The NC_012920.1:m.8078G>A (YP_003024029.1:p.Val165Ile) variant in MTCO2 gene is interpretated to be a Likely Benign variant based on the modified ACMG guidelines (unpublished). This variant meets the following evidence codes: BS1, BP4

Literature cited by the submitters: PubMed 22241583 (cited by Wong Mito Lab, Molecular and Human Genetics, Baylor College of Medicine); PubMed 17637808 (cited by Wong Mito Lab, Molecular and Human Genetics, Baylor College of Medicine).

NC_012920.1(MT-CO2):m.8078G>A

Gene: MT-CO2 (mitochondrially encoded cytochrome c oxidase II; plus strand).
Variant type: single nucleotide variant.
Genome position: chrM-8078-G-A.
Identifiers: ClinVar variation 692818 (VCV000692818.2), dbSNP rs878993263, ClinGen allele CA337097786.
Genomic context (GRCh38, chrMT:8,078, plus strand): 5'-CCGATTGAAGCCCCCATTCGTATAATAATTACATCACAAGACGTCTTGCACTCATGAGCT[G>A]TCCCCACATTAGGCTTAAAAACAGATGCAATTCCCGGACGTCTAAACCAAACCACTTTCA-3'